The following is an entry in ClinVar:

ClinVar aggregate classification (germline): Pathogenic (1 of 4 stars; one submission).

Submission:

Labcorp Genetics (formerly Invitae), Labcorp
Classification: Pathogenic. Last evaluated: 2026-01-04. Review status: criteria provided, single submitter. Criteria: Invitae Variant Classification Sherloc (09022015). Collection method: clinical testing. Allele origin: germline.
Comment: This sequence change creates a premature translational stop signal (p.Gln1814Argfs*14) in the CAD gene. It is expected to result in an absent or disrupted protein product. Loss-of-function variants in CAD are known to be pathogenic (PMID: 28007989, 32117025, 32820246, 33497533). This variant is not present in population databases (gnomAD no frequency). This variant has not been reported in the literature in individuals affected with CAD-related conditions. For these reasons, this variant has been classified as Pathogenic.

Literature cited by the submitters: PubMed 28007989; PubMed 32117025; PubMed 32820246; PubMed 33497533.

NM_004341.5(CAD):c.5441_5442del (p.Gln1814fs)

Gene: CAD (carbamoyl-phosphate synthetase 2, aspartate transcarbamylase, and dihydroorotase; plus strand). Cytogenetic location: 2p23.3.
Variant type: Deletion.
Coding change: c.5441_5442del on transcript NM_004341.5 (MANE Select); coding-DNA positions 5441 to 5442, 2 bases deleted (AG; older notation c.5441_5442delAG).
Protein change: p.Gln1814fs; shifts the reading frame from glutamine 1814.
Molecular consequence: frameshift variant.
Genome position (GRCh38, 1-based): chr2:27,239,743-27,239,744, AG deleted. VCF-style (leftmost placement, unchanged base first): chr2-27239742-CAG-C. GRCh37 (hg19) VCF-style: chr2-27462610-CAG-C.
Other names: c.5252_5253del, p.Gln1751fs (NM_001306079.2); short protein forms Q1751fs, Q1814fs.
Identifiers: ClinVar variation 4734265 (VCV004734265.1).